The following is an entry in ClinVar:

NM_001395891.1(CLASP1):c.196-591C>T

Genes: CLASP1 (cytoplasmic linker associated protein 1; minus strand), CLASP1-AS1 (CLASP1 antisense RNA 1; plus strand), RNU4ATAC (RNA, U4atac small nuclear; plus strand). Cytogenetic location: 2q14.2.
Variant type: single nucleotide variant.
Coding change: c.196-591C>T on transcript NM_001395891.1 (MANE Select); 591 bases into the intron before coding-DNA position 196, C replaced by T.
Molecular consequence: intron variant.
Genome position (GRCh38, 1-based): chr2:121,530,916, G>A on the plus strand (C>T on the coding strand, the complement: CLASP1 is on the minus strand). VCF-style: chr2-121530916-G-A. GRCh37 (hg19) VCF-style: chr2-122288492-G-A.
Other names: 37G-A; c.196-591C>T (NM_001142274.2, NM_015282.3, NM_001378003.1 and 4 more transcripts).
Identifiers: ClinVar variation 218084 (VCV000218084.17), dbSNP rs756026847, ClinGen allele CA210441.
Genomic context (GRCh38, chr2:121,530,916, plus strand): 5'-TGCAGCCCAGGGACTTTCTATTATAACCATCCTTTTCTTGGGGTTGCGCTACTGTCCAAT[G>A]AGCGCATAGTGAGGGCAGTACTGCTAACGCCTGAACAACACACCCGCATCAACTAGAGCT-3'

ClinVar aggregate classification (germline): Conflicting classifications of pathogenicity. Review status: criteria provided, conflicting classifications (1 of 4 stars). 12 submissions from 12 submitters: Pathogenic (3); Likely pathogenic (5); Uncertain significance (1). 3 of the submissions do not count toward it. Last evaluated 2026-01-18.

Conditions:
CLASP1-related disorder. Also called: CLASP1-related condition.
RNU4ATAC-related disorder. Also called: RNU4ATAC-related condition.
Lowry-Wood syndrome (LWS). Identifiers: Orphanet 1824, MedGen C0796021, MONDO:0009191, OMIM 226960.
Osteodysplastic primordial dwarfism, type 1 (MOPD1). Also called: Microcephalic Osteodysplastic Primordial Dwarfism, Type I; Microcephalic Osteodysplastic Primordial Dwarfism Type I/III (MOPDI) / Taybi-Linder Syndrome; BRACHYMELIC PRIMORDIAL DWARFISM; MOPD I; MICROCEPHALIC OSTEODYSPLASTIC PRIMORDIAL DWARFISM, TYPE III; MOPD III. Identifiers: Orphanet 2636, MedGen C1859452, MONDO:0008871, OMIM 210710.
Roifman syndrome (RFMN). Also called: SPONDYLOEPIPHYSEAL DYSPLASIA, RETINAL DYSTROPHY, AND ANTIBODY DEFICIENCY. Identifiers: Orphanet 353298, MedGen C1846059, MONDO:0014722, OMIM 616651.
RNU4ATAC spectrum disorder. Also called: RNU4atac-opathy. Identifiers: MedGen CN377746, MONDO:0100558.
Spondyloepiphyseal dysplasia congenita (SEDC). Also called: SED CONGENITA; SPONDYLOEPIPHYSEAL DYSPLASIA, CONGENITAL TYPE. Identifiers: Orphanet 94068, MedGen C2745959, MONDO:0008471, OMIM 183900.

Allele frequency attached by ClinVar (database versions not stated): TOPMed 0.00006 and 0.00008; gnomAD 0.00009 and 0.00013; gnomAD exomes 0.00010.
gnomAD v4.1: 63 of 699,402 alleles (0.009%); highest among the groups gnomAD compares: Non-Finnish European, 0.014%; no homozygotes.

Submissions (12):

Labcorp Genetics (formerly Invitae), Labcorp
Classification: Pathogenic. Last evaluated: 2026-01-18. Review status: criteria provided, single submitter. Criteria: Invitae Variant Classification Sherloc (09022015). Collection method: clinical testing. Allele origin: germline.
Comment: This variant occurs in the RNU4ATAC gene, which encodes an RNA molecule that does not result in a protein product. This variant is present in population databases (rs756026847, gnomAD 0.01%). This variant has been observed in individual(s) with RNU4ATAC-related conditions (PMID: 32628740; internal data). In at least one individual the data is consistent with being in trans (on the opposite chromosome) from a pathogenic variant. It has also been observed to segregate with disease in related individuals. ClinVar contains an entry for this variant (Variation ID: 218084). Functional studies have shown that this variant disrupts ncRNA splicing (PMID: 32628740). This variant is located within the 5' stem-loop region of the RNU4ATAC RNA, which includes the 15.5K binding site and is important for spliceosome assembly (PMID: 32628740). A significant number of disease-associated RNU4ATAC variants are found in this region (PMID: 32628740, 30368667). For these reasons, this variant has been classified as Pathogenic.

Institute of Human Genetics, University of Leipzig Medical Center
Classification: Likely pathogenic for Roifman syndrome. Last evaluated: 2025-10-06. Review status: criteria provided, single submitter. Criteria: ACMG Guidelines, 2015. Collection method: clinical testing. Allele origin: unknown. Inheritance: Autosomal recessive inheritance. Affected: yes.
Comment: Criteria applied: PM3_STR,PM2,PS3_SUP; Identified as compund heterozygous with NR_023343.1:n.8C>T

Broad Center for Mendelian Genomics, Broad Institute of MIT and Harvard
Classification: Likely pathogenic for RNU4ATAC spectrum disorder. Last evaluated: 2025-08-21. Review status: criteria provided, single submitter. Criteria: Ellingford et al. (Genome Med. 2022). Collection method: curation. Allele origin: germline. Inheritance: Autosomal recessive inheritance.
Comment: The heterozygous n.37G>A variant in RNU4ATAC was identified by our study, in the compound heterozygous state, in two individuals with RNU4ATAC spectrum disorder. This variant has also been reported in the literature in 5 individuals with RNU4ATAC spectrum disorder, segregated with disease in 5 affected relatives from 2 families (PMID: 26522830, 35305867), and has been identified in 0.014% (55/384092) of European (non-Finnish) chromosomes by the Genome Aggregation Database (gnomAD; dbSNP rs756026847). Although this variant has been seen in the general population in a heterozygous state, its frequency is not high enough to rule out a pathogenic role. This variant has also been reported in ClinVar (VCV000218084.14) and has been interpreted as pathogenic/likely pathogenic by multiple submitters, and as a variant of uncertain significance by the Department of Pathology and Laboratory Medicine (Sinai Health System). Of the many affected individuals, at least three were compound heterozygotes that carried a reported pathogenic variant in trans, which increases the likelihood that the n.37G>A variant is pathogenic (VCV000218083.44, VCV000218086.14; PMID: 26522830, 35305867). In vitro functional studies provide some evidence that the n.37G>A variant will impact splicing efficiency (PMID: 32628740). However, these types of assays may not accurately represent biological function. The n.37G>A variant is located in the 5' Stem Loop of RNU4ATAC where several other variants have been identified, suggesting that this variant is in a functional domain and supports pathogenicity (PMID: 26522830, 32628740). In summary, although additional studies are required to fully establish its clinical significance, this variant is likely pathogenic for autosomal recessive RNU4ATAC spectrum disorder. ACMG/AMP Criteria applied: PM3_strong, PP1_moderate, PM1, PS3_supporting (Richards 2015).

Blueprint Genetics
Classification: Likely pathogenic for RNU4ATAC-related disorders. Last evaluated: 2023-11-29. Review status: criteria provided, single submitter. Criteria: ACMG Guidelines, 2015. Collection method: clinical testing. Allele origin: germline. Affected: yes. Observed: 5 variant alleles.

PreventionGenetics, part of Exact Sciences
Classification: Likely pathogenic for RNU4ATAC-related condition. Last evaluated: 2023-01-19. Review status: criteria provided, single submitter. Criteria: ACMG Guidelines, 2015. Collection method: clinical testing. Allele origin: germline.
Comment: The RNU4ATAC n.37G>A is a noncoding alteration. This variant has been reported in the compound heterozygous state in an individual with Roifman syndrome (Subject 1-2, Kindred K1, Merico et al. 2015. PubMed ID: 26522830). This variant is located in an element of major importance for splicing and is classified as a Roifman syndrome casual variant (Figure 3, Merico et al. 2015. PubMed ID: 26522830). This variant is reported in 0.015% of alleles in individuals of European (Non-Finnish) descent in gnomAD and is interpreted as pathogenic/likely pathogenic in ClinVar. This variant is interpreted as likely pathogenic.

Victorian Clinical Genetics Services, Murdoch Childrens Research Institute
Classification: Pathogenic for Roifman syndrome. Last evaluated: 2022-09-02. Review status: criteria provided, single submitter. Criteria: ACMG Guidelines, 2015. Collection method: clinical testing. Allele origin: germline. Inheritance: Autosomal recessive inheritance. Affected: yes.
Comment: Based on the classification scheme VCGS_Germline_v1.3.4, this variant is classified as Pathogenic. Following criteria are met: 0102 - Loss of function is a known mechanism of disease in this gene and is associated with microcephalic osteodysplastic primordial dwarfism, type I (MIM#210710), Roifman syndrome (MIM#616651), and Lowry-Wood syndrome (MIM#226960). (I) 0106 - This gene is associated with autosomal recessive disease. (I) 0217 - Non-coding variant with known effect. Transfected cells were proven to demonstrate signficiantly reduced splicing efficiencies (PMID: 32628740). (SP) 0251 - This variant is heterozygous. (I) 0304 - Variant is present in gnomAD (v3) <0.01 for a recessive condition (13 heterozygotes, 0 homozygotes). (SP) 0311 - An alternative nucleotide change at the nucleotide is present in gnomAD (v2) (1 heterozygote, 0 homozygotes). (I) 0600 - Variant is located in the functionally important 5' Stem-Loop region of the small nuclear RNA (PMID: 32628740). (I) 0802 - This variant has moderate previous evidence of pathogenicity in unrelated individuals. This variant has been reported as likely pathogenic and pathogenic (ClinVar), and observed in compound heterozygous siblings with Roifman syndrome (PMID: 26522830 PMID: 32628740). (SP) 1101 - Very strong and specific phenotype match for this individual. (SP) 1201 - Heterozygous variant detected in trans with a second pathogenic heterozygous variant (n.13C>T) in a recessive disease. (SP) 1208 - Inheritance information for this variant is not currently available in this individual. (I) Legend: (SP) - Supporting pathogenic, (I) - Information, (SB) - Supporting benign

Department of Pathology and Laboratory Medicine, Sinai Health System
Classification: Uncertain significance for CLASP1-related disorder. Last evaluated: 2022-07-30. Review status: criteria provided, single submitter. Criteria: ACMG Guidelines, 2015. Collection method: research. Allele origin: germline.

Fulgent Genetics
Classification: Likely pathogenic for Osteodysplastic primordial dwarfism, type 1; Lowry-Wood syndrome; Roifman syndrome. Last evaluated: 2022-02-18. Review status: criteria provided, single submitter. Criteria: ACMG Guidelines, 2015. Collection method: clinical testing. Allele origin: unknown.

Center for Pediatric Genomic Medicine, Children's Mercy Hospital and Clinics
Classification: Pathogenic for Spondyloepiphyseal dysplasia. Last evaluated: 2020-03-04. Review status: criteria provided, single submitter. Criteria: ACMG Guidelines, 2015. Collection method: clinical testing. Allele origin: germline. Affected: yes.

OMIM
Classification: Pathogenic for ROIFMAN SYNDROME. Last evaluated: 2015-11-02. Review status: no assertion criteria provided. Collection method: literature only. Allele origin: germline. Not counted in ClinVar's aggregate classification.

Service de Génétique Moléculaire, Hôpital Robert Debré
Classification: Pathogenic for Osteodysplastic primordial dwarfism, type 1. Review status: no assertion criteria provided. Collection method: clinical testing. Allele origin: unknown. Affected: yes. Not counted in ClinVar's aggregate classification.

Laboratorio de Genetica e Diagnostico Molecular, Hospital Israelita Albert Einstein
Classification: Uncertain significance for Roifman syndrome. Last evaluated: 2022-11-22. Review status: flagged submission. Criteria: ACMG Guidelines, 2015. Collection method: clinical testing. Allele origin: germline. Affected: yes. Observed: 1 variant allele. Not counted in ClinVar's aggregate classification.
Comment: ACMG classification criteria: PS3 supporting, PM3 supporting
ClinVar note: Reason: Outlier claim with insufficient supporting evidence

Literature cited by the submitters: PubMed 32628740 (cited by Labcorp Genetics (formerly Invitae), Labcorp and Victorian Clinical Genetics Services, Murdoch Childrens Research Institute); PubMed 30368667 (cited by Labcorp Genetics (formerly Invitae), Labcorp); PubMed 26522830 (cited by Victorian Clinical Genetics Services, Murdoch Childrens Research Institute and OMIM).